The following is an entry in ClinVar:

ClinVar aggregate classification (germline): Uncertain significance (1 of 4 stars; one submission).

Submission:

Labcorp Genetics (formerly Invitae), Labcorp
Classification: Uncertain significance. Last evaluated: 2025-02-17. Review status: criteria provided, single submitter. Criteria: Invitae Variant Classification Sherloc (09022015). Collection method: clinical testing. Allele origin: germline.
Comment: This variant results in the deletion of c.5555-1_5557del of the DSCAML1 gene. It is expected to disrupt RNA splicing. Variants that disrupt the donor or acceptor splice site typically lead to a loss of protein function (PMID: 16199547), however the current clinical and genetic evidence is not sufficient to establish whether loss-of-function variants in DSCAML1 cause disease. This variant is not present in population databases (gnomAD no frequency). This variant has not been reported in the literature in individuals affected with DSCAML1-related conditions. ClinVar contains an entry for this variant (Variation ID: 2747095). In summary, the available evidence is currently insufficient to determine the role of this variant in disease. Therefore, it has been classified as a Variant of Uncertain Significance.

Literature cited by the submitters: PubMed 16199547.

NM_020693.4(DSCAML1):c.5375-1_5377del

Gene: DSCAML1 (DS cell adhesion molecule like 1; minus strand). Cytogenetic location: 11q23.3.
Variant type: Deletion.
Coding change: c.5375-1_5377del on transcript NM_020693.4 (MANE Select); the canonical splice acceptor site of the intron before coding-DNA position 5375 through coding-DNA position 5377, 4 bases deleted (GACA; older notation c.5375-1_5377delGACA).
Molecular consequence: splice acceptor variant.
Genome position (GRCh38, 1-based): chr11:117,431,031-117,431,034, TGTC deleted on the plus strand (GACA on the coding strand, the reverse complement: DSCAML1 is on the minus strand); deleting any 4 consecutive bases within chr11:117,431,031-117,431,036 gives the same sequence; the c. name uses the placement nearest the transcript's 3' end. VCF-style (leftmost placement, unchanged base first): chr11-117431030-TTGTC-T. GRCh37 (hg19) VCF-style: chr11-117301746-TTGTC-T.
Identifiers: ClinVar variation 2747095 (VCV002747095.3), dbSNP rs2047778357, ClinGen allele CA2003053873.